The following is an entry in ClinVar:

ClinVar aggregate classification (germline): Likely benign. Review status: criteria provided, multiple submitters, no conflicts (2 of 4 stars). 2 submissions from 2 submitters: Likely benign (2). Last evaluated 2024-04-16.

Conditions:
Catecholaminergic polymorphic ventricular tachycardia (CVPT). Also called: Catecholamine-induced polymorphic ventricular tachycardia. Identifiers: Orphanet 3286, MedGen C5574922, MONDO:0017990.
Cardiomyopathy (CMYO). Also called: Cardiomyopathies. Identifiers: Orphanet 167848, MedGen C0878544, MONDO:0004994, HP:0001638. Inheritance: Various modes of inheritance.

Submissions (2):

All of Us Research Program, National Institutes of Health
Classification: Likely benign for Catecholaminergic polymorphic ventricular tachycardia. Last evaluated: 2024-04-16. Review status: criteria provided, single submitter. Criteria: ACMG Guidelines, 2015. Collection method: clinical testing. Allele origin: germline. Inheritance: Autosomal dominant inheritance. Observed: 1 variant allele, 1 heterozygote.
Comment: This study involves interpretation of variants in research participants for the purpose of population health screening. Participant phenotype was not available at the time of variant classification. Additional details can be found in publication PMID: 35346344, PMCID: PMC8962531

Color Diagnostics, LLC DBA Color Health
Classification: Likely benign for Cardiomyopathy. Last evaluated: 2020-06-07. Review status: criteria provided, single submitter. Criteria: ACMG Guidelines, 2015. Collection method: clinical testing. Allele origin: germline.

NM_001035.3(RYR2):c.6621T>C (p.Ser2207=)

Gene: RYR2 (ryanodine receptor 2; plus strand). Cytogenetic location: 1q43.
Variant type: single nucleotide variant.
Coding change: c.6621T>C on transcript NM_001035.3 (MANE Select); coding-DNA position 6621, T replaced by C.
Protein change: p.Ser2207=; no amino-acid change (serine 2207 retained).
Molecular consequence: synonymous variant.
Genome position (GRCh38, 1-based): chr1:237,633,643, T>C. VCF-style: chr1-237633643-T-C. GRCh37 (hg19) VCF-style: chr1-237796943-T-C.
Identifiers: ClinVar variation 1171996 (VCV001171996.3), dbSNP rs2148700871, ClinGen allele CA423818267.
Genomic context (GRCh38, chr1:237,633,643, plus strand): 5'-CACCTTTCCCAAGATGGTGGCCAACTGTTGCCGTTTTCTCTGTTACTTCTGTCGTATAAG[T>C]AGGCAGAATCAAAAAGCTATGTTTGATCATCTCAGTTATTTACTGGAAAACAGCAGTGTT-3'
Protein context (NP_001026.2, residues 2197-2217): CRFLCYFCRI[Ser2207=]RQNQKAMFDH